The following is an entry in ClinVar:

NM_000548.5(TSC2):c.1883G>A (p.Arg628His)

Gene: TSC2 (TSC complex subunit 2; plus strand). Cytogenetic location: 16p13.3.
Variant type: single nucleotide variant.
Coding change: c.1883G>A on transcript NM_000548.5 (MANE Select); coding-DNA position 1883, G replaced by A.
Protein change: p.Arg628His; replaces arginine 628 with histidine.
Molecular consequence: missense variant.
Genome position (GRCh38, 1-based): chr16:2,071,553, G>A. VCF-style: chr16-2071553-G-A. GRCh37 (hg19) VCF-style: chr16-2121554-G-A.
Other names: c.1883G>A, p.Arg628His (NM_001077183.3, NM_001114382.3, NM_001363528.2 and 3 more transcripts); c.1772G>A, p.Arg591His (NM_001318827.2); c.1736G>A, p.Arg579His (NM_001318829.2); c.1283G>A, p.Arg428His (NM_001318831.2); c.1916G>A, p.Arg639His (NM_001318832.2); c.1883G>A (NM_000548.4); short protein forms R628H, R591H, R639H, R579H, R428H.
Identifiers: ClinVar variation 186281 (VCV000186281.25), dbSNP rs774895427, ClinGen allele CA016151.

ClinVar aggregate classification (germline): Conflicting classifications of pathogenicity. Review status: criteria provided, conflicting classifications (1 of 4 stars). 6 submissions from 6 submitters: Uncertain significance (5); Likely benign (1). Last evaluated 2025-12-14.

Conditions:
TSC2-related disorder. Also called: TSC2-related condition; TSC2-Related Disorders.
Hereditary cancer-predisposing syndrome. Also called: Neoplastic Syndromes, Hereditary; Tumor predisposition; Hereditary neoplastic syndrome; Hereditary Cancer Syndrome. Identifiers: Orphanet 140162, MedGen C0027672, MeSH D009386, MONDO:0015356.
Tuberous sclerosis syndrome (TSC). Also called: Tuberous Sclerosis Complex; Tuberous sclerosis. Identifiers: Orphanet 805, MedGen C0041341, MONDO:0001734.
Tuberous sclerosis 2 (TSC2). Identifiers: Orphanet 805, MedGen C1860707, MONDO:0013199, OMIM 613254.

Allele frequency attached by ClinVar (database versions not stated): gnomAD exomes below 0.00001; ExAC 0.00001; TOPMed 0.00001; gnomAD 0.00002.
gnomAD v4.1: 37 of 1,613,448 alleles (0.0023%); highest among the groups gnomAD compares: Non-Finnish European, 0.0031%; no homozygotes.

Submissions (6):

Labcorp Genetics (formerly Invitae), Labcorp
Classification: Likely benign for Tuberous sclerosis 2. Last evaluated: 2025-12-14. Review status: criteria provided, single submitter. Criteria: Invitae Variant Classification Sherloc (09022015). Collection method: clinical testing. Allele origin: germline.

Ambry Genetics
Classification: Uncertain significance for Hereditary cancer-predisposing syndrome. Last evaluated: 2025-09-19. Review status: criteria provided, single submitter. Criteria: Ambry Variant Classification Scheme 2023. Collection method: clinical testing. Allele origin: germline.
Comment: The p.R628H variant (also known as c.1883G>A), located in coding exon 17 of the TSC2 gene, results from a G to A substitution at nucleotide position 1883. The arginine at codon 628 is replaced by histidine, an amino acid with highly similar properties. This amino acid position is highly conserved in available vertebrate species. In addition, this alteration is predicted to be deleterious by in silico analysis. Based on the available evidence, the clinical significance of this variant remains unclear.

PreventionGenetics, part of Exact Sciences
Classification: Uncertain significance for TSC2-related condition. Last evaluated: 2024-12-13. Review status: criteria provided, single submitter. Criteria: ACMG Guidelines, 2015. Collection method: clinical testing. Allele origin: germline.
Comment: The TSC2 c.1883G>A variant is predicted to result in the amino acid substitution p.Arg628His. This variant was reported in an individual with tuberous sclerosis; however, no additional evidence was provided to support pathogenicity (Ng et al. 2022. PubMed ID: 35918040). This variant is reported in 0.0033% of alleles in individuals of South Asian descent in gnomAD v2. In gnomAD v4 (only available on GRCh38), this variant is heterozygous in 37 individuals, which is likely too common to be a primary cause of disease. Alternative missense variants affecting the same amino acid (p.Arg628Gly and p.Arg628Cys) have also been reported in individuals with TSC2-related phenotypes (see for example, Hoogeveen-Westerveld et al. 2011. PubMed ID: 21309039; Table S1, Togi et al. 2022. PubMed ID: 36232477). However, all missense variants affecting residue 628 currently have conflicting interpretations in ClinVar including likely benign and uncertain significance (p.Arg628His). Taken together, at this time, the clinical significance of c.1883G>A (p.Arg628His) is uncertain due to the absence of conclusive functional and genetic evidence.

All of Us Research Program, National Institutes of Health
Classification: Uncertain significance for Tuberous sclerosis syndrome. Last evaluated: 2024-09-27. Review status: criteria provided, single submitter. Criteria: ACMG Guidelines, 2015. Collection method: clinical testing. Allele origin: germline. Inheritance: Autosomal dominant inheritance. Observed: 7 variant alleles, 7 heterozygotes.
Comment: This missense variant replaces arginine with histidine at codon 628 of the TSC2 protein. Computational prediction is inconclusive regarding the impact of this variant on protein structure and function (internally defined REVEL score threshold 0.5 < inconclusive < 0.7, PMID: 27666373). To our knowledge, functional studies have not been reported for this variant. This variant was reported in an individual affected with tuberous sclerosis complex (PMID: 35918040). This variant has been identified in 2/281880 chromosomes in the general population by the Genome Aggregation Database (gnomAD). The available evidence is insufficient to determine the role of this variant in disease conclusively. Therefore, this variant is classified as a Variant of Uncertain Significance.

This study involves interpretation of variants in research participants for the purpose of population health screening. Participant phenotype was not available at the time of variant classification. Additional details can be found in publication PMID: 35346344, PMCID: PMC8962531

Genome-Nilou Lab
Classification: Uncertain significance for Tuberous sclerosis 2. Last evaluated: 2021-11-07. Review status: criteria provided, single submitter. Criteria: ACMG Guidelines, 2015. Collection method: clinical testing. Allele origin: germline. Affected: no.

GeneDx
Classification: Uncertain significance. Last evaluated: 2020-07-27. Review status: criteria provided, single submitter. Criteria: GeneDx Variant Classification Process June 2021. Collection method: clinical testing. Allele origin: germline. Affected: yes.
Comment: In silico analysis supports that this missense variant does not alter protein structure/function; Has not been previously published as pathogenic or benign to our knowledge

Literature cited by the submitters: PubMed 35918040 (cited by All of Us Research Program, National Institutes of Health).